The following is an entry in ClinVar:

ClinVar aggregate classification (germline): Uncertain significance. Review status: criteria provided, multiple submitters, no conflicts (2 of 4 stars). 3 submissions from 3 submitters: Uncertain significance (3). Last evaluated 2026-02-01.

Conditions:
Congenital heart defects, multiple types. Identifiers: MedGen CN377732, MONDO:0000119.
GATA5-related disorder. Also called: GATA5-related condition.

gnomAD v4.1: 32 of 1,597,792 alleles (0.002%); highest among the groups gnomAD compares: African/African-American, 0.0054%; no homozygotes.

Submissions (3):

Labcorp Genetics (formerly Invitae), Labcorp
Classification: Uncertain significance. Last evaluated: 2026-02-01. Review status: criteria provided, single submitter. Criteria: Invitae Variant Classification Sherloc (09022015). Collection method: clinical testing. Allele origin: germline.
Comment: This sequence change replaces arginine, which is basic and polar, with glutamine, which is neutral and polar, at codon 292 of the GATA5 protein (p.Arg292Gln). The frequency data for this variant in the population databases is considered unreliable, as metrics indicate poor data quality at this position in the gnomAD database. This variant has not been reported in the literature in individuals affected with GATA5-related conditions. ClinVar contains an entry for this variant (Variation ID: 1508694). Invitae Evidence Modeling of protein sequence and biophysical properties (such as structural, functional, and spatial information, amino acid conservation, physicochemical variation, residue mobility, and thermodynamic stability) indicates that this missense variant is expected to disrupt GATA5 protein function with a positive predictive value of 80%. In summary, the available evidence is currently insufficient to determine the role of this variant in disease. Therefore, it has been classified as a Variant of Uncertain Significance.

PreventionGenetics, part of Exact Sciences
Classification: Uncertain significance for GATA5-related condition. Last evaluated: 2022-09-13. Review status: criteria provided, single submitter. Criteria: ACMG Guidelines, 2015. Collection method: clinical testing. Allele origin: germline.
Comment: The GATA5 c.875G>A variant is predicted to result in the amino acid substitution p.Arg292Gln. To our knowledge, this variant has not been reported in the literature. This variant is reported in 0.014% of alleles in individuals of African descent in gnomAD. At this time, the clinical significance of this variant is uncertain due to the absence of conclusive functional and genetic evidence.

Victorian Clinical Genetics Services, Murdoch Childrens Research Institute
Classification: Uncertain significance for Congenital heart defects, multiple types. Last evaluated: 2020-05-21. Review status: criteria provided, single submitter. Criteria: ACMG Guidelines, 2015. Collection method: clinical testing. Allele origin: germline. Affected: yes.
Comment: Based on the classification scheme VCGS_Germline_v1.1.1, this variant is classified as 3B-VUS. Following criteria are met: 0102 - Loss-of-function is a known mechanism of disease for this gene. (N) 0108 - This gene is known to be associated with both recessive and dominant disease. Two families have been reported with biallelic probands and unaffected heterozygotes (PMID: 27066509, 28180938). (N) 0112 - Variants in this gene are known to have reduced penetrance. A single report of an unaffected carrier (PMID: 23031282). (N) 0200 - Variant is predicted to result in a missense amino acid change from arginine to glutamine (exon 5). (N) 0251 - Variant is heterozygous. (N) 0302 - Variant is present in gnomAD <0.001 for a dominant condition (5 heterozygotes, 0 homozygotes). (P) 0309 - An alternative amino acid change at the same position has been observed in gnomAD (p.(Arg292Leu); (4 heterozygotes, 0 homozygotes)). (N) 0501 - Missense variant consistently predicted to be damaging by multiple in silico tools with highly conserved but a minor amino acid change. (P) 0600 - Variant is located in an annotated domain or motif. (ZnF_GATA domain; NCBI) (N) 0705 - No comparable variants have previous evidence for pathogenicity. (N) 0807 - Variant has not previously been reported in a clinical context. (N) 0905 - No segregation evidence has been identified for this variant, ie. no segregation studies published in literature. (N) 1007 - No published functional evidence has been identified for this variant. (N) 1208 - Inheritance information for this variant is not currently available. (N) Legend: (P) - Pathogenic, (N) - Neutral, (B) - Benign

Literature cited by the submitters: PubMed 23031282 (cited by Victorian Clinical Genetics Services, Murdoch Childrens Research Institute); PubMed 27066509 (cited by Victorian Clinical Genetics Services, Murdoch Childrens Research Institute); PubMed 28180938 (cited by Victorian Clinical Genetics Services, Murdoch Childrens Research Institute).

NM_080473.5(GATA5):c.875G>A (p.Arg292Gln)

Gene: GATA5 (GATA binding protein 5; minus strand). Cytogenetic location: 20q13.33.
Variant type: single nucleotide variant.
Coding change: c.875G>A on transcript NM_080473.5 (MANE Select); coding-DNA position 875, G replaced by A.
Protein change: p.Arg292Gln; replaces arginine 292 with glutamine.
Molecular consequence: missense variant.
Genome position (GRCh38, 1-based): chr20:62,465,872, C>T on the plus strand (G>A on the coding strand, the complement: GATA5 is on the minus strand). VCF-style: chr20-62465872-C-T. GRCh37 (hg19) VCF-style: chr20-61040928-C-T.
Other names: c.875G>A (NM_080473.4); short protein forms R292Q.
Identifiers: ClinVar variation 1508694 (VCV001508694.7), dbSNP rs376516182, ClinGen allele CA9946143.
Genomic context (GRCh38, chr20:62,465,872, plus strand): 5'-ACTGCAGGGCCTGGCCACGCACCTGAGGAGCCCCTGGCCTTGGCGATGGTCTTTGGCTTC[C>T]GCTTCCGTGTCTGGATGCTTTCCTTCTTCATAGCCAGAGGCCGCGGCACCTGGCAGGGGT-3'
Protein context (NP_536721.1, residues 282-302): MKKESIQTRK[Arg292Gln]KPKTIAKARG